The following is an entry in ClinVar:

NM_007126.5(VCP):c.1722A>G (p.Leu574=)

Gene: VCP (valosin containing protein; minus strand). Cytogenetic location: 9p13.3.
Variant type: single nucleotide variant.
Coding change: c.1722A>G on transcript NM_007126.5 (MANE Select); coding-DNA position 1722, A replaced by G.
Protein change: p.Leu574=; no amino-acid change (leucine 574 retained).
Molecular consequence: synonymous variant.
Genome position (GRCh38, 1-based): chr9:35,059,775, T>C on the plus strand (A>G on the coding strand, the complement: VCP is on the minus strand). VCF-style: chr9-35059775-T-C. GRCh37 (hg19) VCF-style: chr9-35059772-T-C.
Other names: c.1587A>G, p.Leu529= (NM_001354927.2, NM_001354928.2).
Identifiers: ClinVar variation 2927785 (VCV002927785.4), dbSNP rs563516701, ClinGen allele CA5039186.

ClinVar aggregate classification (germline): Likely benign. Review status: criteria provided, multiple submitters, no conflicts (2 of 4 stars). 2 submissions from 2 submitters: Likely benign (2). Last evaluated 2026-03-04.

Conditions:
Frontotemporal dementia and/or amyotrophic lateral sclerosis 6 (FTDALS6). Also called: VCP-Related Amyotrophic Lateral Sclerosis; VCP-Related Amyotrophic Lateral Sclerosis/Frontotemporal Dementia. Identifiers: Orphanet 275872, Orphanet 803, MedGen C5436279, MONDO:0013501, OMIM 613954.
Inclusion body myopathy with Paget disease of bone and frontotemporal dementia. Also called: Inclusion body myopathy with early-onset Paget disease and frontotemporal dementia. Identifiers: Orphanet 52430, MedGen C1833662, MONDO:0000507.
VCP-related disorder. Also called: VCP-related condition; VCP-related disorders.

Allele frequency attached by ClinVar (database versions not stated): ExAC 0.00001; gnomAD 0.00001; 1000 Genomes Project 30x 0.00016; 1000 Genomes Project 0.00020.
gnomAD v4.1: 13 of 1,614,038 alleles (0.00081%); highest among the groups gnomAD compares: East Asian, 0.0022%; no homozygotes.

Submissions (2):

PreventionGenetics, part of Exact Sciences
Classification: Likely benign for VCP-related condition. Last evaluated: 2026-03-04. Review status: criteria provided, single submitter. Criteria: ACMG Guidelines, 2015. Collection method: clinical testing. Allele origin: germline.
Comment: This variant is classified as likely benign based on ACMG/AMP sequence variant interpretation guidelines (Richards et al. 2015 PMID: 25741868, with internal and published modifications).

Labcorp Genetics (formerly Invitae), Labcorp
Classification: Likely benign for Inclusion body myopathy with Paget disease of bone and frontotemporal dementia; Frontotemporal dementia and/or amyotrophic lateral sclerosis 6. Last evaluated: 2022-11-25. Review status: criteria provided, single submitter. Criteria: Invitae Variant Classification Sherloc (09022015). Collection method: clinical testing. Allele origin: germline.